The following is an entry in ClinVar:

NM_153704.6(TMEM67):c.2659C>A (p.His887Asn)

Gene: TMEM67 (transmembrane protein 67; plus strand). Cytogenetic location: 8q22.1.
Variant type: single nucleotide variant.
Coding change: c.2659C>A on transcript NM_153704.6 (MANE Select); coding-DNA position 2659, C replaced by A.
Protein change: p.His887Asn; replaces histidine 887 with asparagine.
Molecular consequence: missense variant. On other transcripts: non-coding transcript variant (1).
Genome position (GRCh38, 1-based): chr8:93,809,159, C>A. VCF-style: chr8-93809159-C-A. GRCh37 (hg19) VCF-style: chr8-94821387-C-A.
Other names: c.2416C>A, p.His806Asn (NM_001142301.1); short protein forms H806N, H887N.
Identifiers: ClinVar variation 2949667 (VCV002949667.3), dbSNP rs2536947633, ClinGen allele CA371699392.

ClinVar aggregate classification (germline): Uncertain significance (1 of 4 stars; one submission).

Conditions:
Joubert syndrome. Also called: CEREBELLOPARENCHYMAL DISORDER IV; JOUBERT-BOLTSHAUSER SYNDROME; Familial aplasia of the vermis. Identifiers: Orphanet 475, MedGen C5979921, MONDO:0018772.
Meckel-Gruber syndrome. Also called: DYSENCEPHALIA SPLANCHNOCYSTICA; GRUBER SYNDROME; Dysencephalia splachnocystica. Identifiers: Orphanet 564, MedGen C0265215, MONDO:0018921.

Submission:

Labcorp Genetics (formerly Invitae), Labcorp
Classification: Uncertain significance for Joubert syndrome; Meckel-Gruber syndrome. Last evaluated: 2023-09-28. Review status: criteria provided, single submitter. Criteria: Invitae Variant Classification Sherloc (09022015). Collection method: clinical testing. Allele origin: germline.
Comment: In summary, the available evidence is currently insufficient to determine the role of this variant in disease. Therefore, it has been classified as a Variant of Uncertain Significance. An algorithm developed to predict the effect of missense changes on protein structure and function (PolyPhen-2) suggests that this variant is likely to be disruptive. This variant has not been reported in the literature in individuals affected with TMEM67-related conditions. This variant is not present in population databases (gnomAD no frequency). This sequence change replaces histidine, which is basic and polar, with asparagine, which is neutral and polar, at codon 887 of the TMEM67 protein (p.His887Asn).